The following is an entry in ClinVar:

NM_018993.4(RIN2):c.2501A>T (p.Tyr834Phe)

Gene: RIN2 (Ras and Rab interactor 2; plus strand). Cytogenetic location: 20p11.23.
Variant type: single nucleotide variant.
Coding change: c.2501A>T on transcript NM_018993.4 (MANE Select); coding-DNA position 2501, A replaced by T.
Protein change: p.Tyr834Phe; replaces tyrosine 834 with phenylalanine.
Molecular consequence: missense variant.
Genome position (GRCh38, 1-based): chr20:20,000,749, A>T. VCF-style: chr20-20000749-A-T. GRCh37 (hg19) VCF-style: chr20-19981393-A-T.
Other names: c.2648A>T, p.Tyr883Phe (NM_001242581.2); c.1883A>T, p.Tyr628Phe (NM_001378238.1); short protein forms Y834F, Y883F, Y628F.
Identifiers: ClinVar variation 218547 (VCV000218547.59), dbSNP rs183141566, ClinGen allele CA248912.

ClinVar aggregate classification (germline): Conflicting classifications of pathogenicity. Review status: criteria provided, conflicting classifications (1 of 4 stars). 5 submissions from 5 submitters: Uncertain significance (3); Likely benign (1). 1 of the submissions does not count toward it. Last evaluated 2026-08-06.

Conditions:
RIN2-related disorder. Also called: RIN2-related condition.

Allele frequency attached by ClinVar (database versions not stated): gnomAD exomes 0.00112 and 0.00223; TOPMed 0.00128; 1000 Genomes Project 0.00040; 1000 Genomes Project 30x 0.00047; ESP Exome Variant Server 0.00087; gnomAD 0.00105 and 0.00108; ExAC 0.00108.
gnomAD v4.1: 3,350 of 1,614,008 alleles (0.21%); highest among the groups gnomAD compares: Non-Finnish European, 0.27%; 8 homozygotes.

Submissions (5):

GeneDx
Classification: Uncertain significance. Last evaluated: 2026-08-06. Review status: criteria provided, single submitter. Criteria: GeneDx Variant Classification Process June 2021. Collection method: clinical testing. Allele origin: germline.
Comment: In silico analysis supports that this missense variant has a deleterious effect on protein structure/function; Observed with a second RIN2 variant in a patient with isolated short stature in published literature (PMID: 34136918); This variant is associated with the following publications: (PMID: 34136918)

Labcorp Genetics (formerly Invitae), Labcorp
Classification: Likely benign. Last evaluated: 2026-02-01. Review status: criteria provided, single submitter. Criteria: Invitae Variant Classification Sherloc (09022015). Collection method: clinical testing. Allele origin: germline.

CeGaT Center for Human Genetics Tuebingen
Classification: Uncertain significance. Last evaluated: 2017-08-01. Review status: criteria provided, single submitter. Criteria: CeGaT Center For Human Genetics Tuebingen Variant Classification Criteria Version 2. Collection method: clinical testing. Allele origin: germline. Affected: yes. Observed: 1 variant allele.

Genomic Diagnostic Laboratory, Division of Genomic Diagnostics, Children's Hospital of Philadelphia
Classification: Uncertain significance. Last evaluated: 2015-06-18. Review status: criteria provided, single submitter. Criteria: DGD Variant Analysis Guidelines. Collection method: clinical testing. Allele origin: unknown.

PreventionGenetics, part of Exact Sciences
Classification: Likely benign for RIN2-related condition. Last evaluated: 2022-02-18. Review status: no assertion criteria provided. Collection method: clinical testing. Allele origin: germline. Not counted in ClinVar's aggregate classification.
Comment: This variant is classified as likely benign based on ACMG/AMP sequence variant interpretation guidelines (Richards et al. 2015 PMID: 25741868, with internal and published modifications).